The following is an entry in ClinVar:

ClinVar aggregate classification (germline): Benign. Review status: criteria provided, multiple submitters, no conflicts (2 of 4 stars). 4 submissions from 4 submitters: Benign (4). Last evaluated 2026-02-02.

Conditions:
Congenital myasthenic syndrome 8. Also called: Myasthenic syndrome, congenital, 8, with pre- and postsynaptic defects; MYASTHENIC SYNDROME, CONGENITAL, DUE TO AGRIN DEFICIENCY. Identifiers: Orphanet 590, MedGen C3808739, MONDO:0014052, OMIM 615120.

Allele frequency attached by ClinVar (database versions not stated): gnomAD exomes 0.01136; ExAC 0.01664; ESP Exome Variant Server 0.02168; gnomAD 0.02263 and 0.02329; TOPMed 0.02274; 1000 Genomes Project 0.03055; 1000 Genomes Project 30x 0.03342.
gnomAD v4.1: 11,738 of 1,597,636 alleles (0.73%); highest among the groups gnomAD compares: African/African-American, 6.4%; 212 homozygotes.

Submissions (4):

Labcorp Genetics (formerly Invitae), Labcorp
Classification: Benign for Congenital myasthenic syndrome 8. Last evaluated: 2026-02-02. Review status: criteria provided, single submitter. Criteria: Invitae Variant Classification Sherloc (09022015). Collection method: clinical testing. Allele origin: germline.

GeneDx
Classification: Benign. Last evaluated: 2016-12-31. Review status: criteria provided, single submitter. Criteria: GeneDx Variant Classification (06012015). Collection method: clinical testing. Allele origin: germline. Affected: yes.
Comment: This variant is considered likely benign or benign based on one or more of the following criteria: it is a conservative change, it occurs at a poorly conserved position in the protein, it is predicted to be benign by multiple in silico algorithms, and/or has population frequency not consistent with disease.

Breakthrough Genomics
Classification: Benign. Review status: criteria provided, single submitter. Criteria: ACMG Guidelines, 2015. Collection method: not provided. Allele origin: germline. Inheritance: Autosomal recessive inheritance. Affected: yes.

PreventionGenetics, part of Exact Sciences
Classification: Benign. Review status: criteria provided, single submitter. Criteria: ACMG Guidelines, 2015. Collection method: clinical testing. Allele origin: germline.

NM_198576.4(AGRN):c.2254+16G>A

Gene: AGRN (agrin; plus strand). Cytogenetic location: 1p36.33.
Variant type: single nucleotide variant.
Coding change: c.2254+16G>A on transcript NM_198576.4 (MANE Select); 16 bases into the intron after coding-DNA position 2254, G replaced by A.
Molecular consequence: intron variant.
Genome position (GRCh38, 1-based): chr1:1,044,455, G>A. VCF-style: chr1-1044455-G-A. GRCh37 (hg19) VCF-style: chr1-979835-G-A.
Other names: c.2254+16G>A (NM_001305275.2); c.1939+16G>A (NM_001364727.2).
Identifiers: ClinVar variation 263168 (VCV000263168.10), dbSNP rs114389542, ClinGen allele CA508536.